The following is an entry in ClinVar:

ClinVar aggregate classification (germline): Pathogenic (1 of 4 stars; one submission).

Conditions:
Deficiency of hydroxymethylglutaryl-CoA lyase (HMGCLD). Also called: Defect in leucine metabolism; 3-hydroxy-3-methylglutaric aciduria; HMGCL DEFICIENCY; HYDROXYMETHYLGLUTARIC ACIDURIA; HMG-CoA LYASE DEFICIENCY. Identifiers: Orphanet 20, MedGen C1533587, MONDO:0009520, OMIM 246450.

Allele frequency attached by ClinVar (database versions not stated): gnomAD 0.00001.

Submission:

Labcorp Genetics (formerly Invitae), Labcorp
Classification: Pathogenic for Deficiency of hydroxymethylglutaryl-CoA lyase. Last evaluated: 2024-08-27. Review status: criteria provided, single submitter. Criteria: Invitae Variant Classification Sherloc (09022015). Collection method: clinical testing. Allele origin: germline.
Comment: This variant, c.690_698del, results in the deletion of 3 amino acid(s) of the HMGCL protein (p.Ala231_His233del), but otherwise preserves the integrity of the reading frame. This variant is not present in population databases (gnomAD no frequency). This variant has not been reported in the literature in individuals affected with HMGCL-related conditions. ClinVar contains an entry for this variant (Variation ID: 1999926). This variant disrupts a region of the HMGCL protein in which other variant(s) (p.His233Arg) have been determined to be pathogenic (PMID: 8798725, 9784232, 14518825, 16330550). This suggests that this is a clinically significant region of the protein, and that variants that disrupt it are likely to be disease-causing. For these reasons, this variant has been classified as Pathogenic.

Literature cited by the submitters: PubMed 8798725; PubMed 9784232; PubMed 14518825; PubMed 16330550.

NM_000191.3(HMGCL):c.690_698del (p.Ala231_His233del)

Gene: HMGCL (3-hydroxy-3-methylglutaryl-CoA lyase; minus strand). Cytogenetic location: 1p36.11.
Variant type: Deletion.
Coding change: c.690_698del on transcript NM_000191.3 (MANE Select); coding-DNA positions 690 to 698, 9 bases deleted (GGCTGTCCA; older notation c.690_698delGGCTGTCCA).
Protein change: p.Ala231_His233del.
Molecular consequence: inframe deletion.
Genome position (GRCh38, 1-based): chr1:23,808,187-23,808,195, TGGACAGCC deleted on the plus strand (GGCTGTCCA on the coding strand, the reverse complement: HMGCL is on the minus strand). VCF-style (leftmost placement, unchanged base first): chr1-23808186-GTGGACAGCC-G. GRCh37 (hg19) VCF-style: chr1-24134676-GTGGACAGCC-G.
Other names: c.477_485del, p.Ala160_His162del (NM_001166059.2).
Identifiers: ClinVar variation 1999926 (VCV001999926.4), dbSNP rs1638447240, ClinGen allele CA999575034.